The following is an entry in ClinVar:

NM_000370.3(TTPA):c.338A>C (p.Lys113Thr)

Gene: TTPA (alpha tocopherol transfer protein; minus strand). Cytogenetic location: 8q12.3.
Variant type: single nucleotide variant.
Coding change: c.338A>C on transcript NM_000370.3 (MANE Select); coding-DNA position 338, A replaced by C.
Protein change: p.Lys113Thr; replaces lysine 113 with threonine.
Molecular consequence: missense variant.
Genome position (GRCh38, 1-based): chr8:63,072,955, T>G on the plus strand (A>C on the coding strand, the complement: TTPA is on the minus strand). VCF-style: chr8-63072955-T-G. GRCh37 (hg19) VCF-style: chr8-63985514-T-G.
Other names: short protein forms K113T.
Identifiers: ClinVar variation 1393610 (VCV001393610.3), dbSNP rs200547556, ClinGen allele CA371333691.

ClinVar aggregate classification (germline): Uncertain significance (1 of 4 stars; one submission).

Submission:

Labcorp Genetics (formerly Invitae), Labcorp
Classification: Uncertain significance. Last evaluated: 2021-11-17. Review status: criteria provided, single submitter. Criteria: Invitae Variant Classification Sherloc (09022015). Collection method: clinical testing. Allele origin: germline.
Comment: This sequence change replaces lysine, which is basic and polar, with threonine, which is neutral and polar, at codon 113 of the TTPA protein (p.Lys113Thr). This variant is not present in population databases (gnomAD no frequency). This variant has not been reported in the literature in individuals affected with TTPA-related conditions. Algorithms developed to predict the effect of missense changes on protein structure and function are either unavailable or do not agree on the potential impact of this missense change (SIFT: "Deleterious"; PolyPhen-2: "Benign"; Align-GVGD: "Class C0"). In summary, the available evidence is currently insufficient to determine the role of this variant in disease. Therefore, it has been classified as a Variant of Uncertain Significance.